The following is an entry in ClinVar:

ClinVar aggregate classification (germline): Pathogenic (1 of 4 stars; one submission).

Conditions:
Charcot-Marie-Tooth disease, type I (CMT1). Also called: Charcot-Marie-Tooth, Type 1; Charcot-Marie-Tooth disease type 1. Identifiers: Orphanet 65753, MedGen C0751036, MONDO:0019011.

Submission:

Labcorp Genetics (formerly Invitae), Labcorp
Classification: Pathogenic for Charcot-Marie-Tooth disease, type I. Last evaluated: 2019-05-14. Review status: criteria provided, single submitter. Criteria: Invitae Variant Classification Sherloc (09022015). Collection method: clinical testing. Allele origin: germline.
Comment: For these reasons, this variant has been classified as Pathogenic. This variant disrupts the C-terminus of the PMP22 protein. Other variant(s) that disrupt this region (p.Leu145Argfs*10) have been determined to be pathogenic (PMID: 23965407, 21252112, 21149811). This suggests that variants that disrupt this region of the protein are likely to be causative of disease. This variant has not been reported in the literature in individuals with PMP22-related conditions. This variant is not present in population databases (ExAC no frequency). This sequence change results in a premature translational stop signal in the PMP22 gene (p.Tyr117*). While this is not anticipated to result in nonsense mediated decay, it is expected to disrupt the last 44 amino acids of the PMP22 protein.

Literature cited by the submitters: PubMed 23965407; PubMed 21252112; PubMed 21149811.

NM_000304.4(PMP22):c.351C>A (p.Tyr117Ter)

Gene: PMP22 (peripheral myelin protein 22; minus strand). Cytogenetic location: 17p12.
Variant type: single nucleotide variant.
Coding change: c.351C>A on transcript NM_000304.4 (MANE Select); coding-DNA position 351, C replaced by A.
Protein change: p.Tyr117Ter; replaces tyrosine 117 with a stop codon.
Molecular consequence: nonsense. On other transcripts: non-coding transcript variant (2).
Genome position (GRCh38, 1-based): chr17:15,231,049, G>T on the plus strand (C>A on the coding strand, the complement: PMP22 is on the minus strand). VCF-style: chr17-15231049-G-T. GRCh37 (hg19) VCF-style: chr17-15134366-G-T.
Other names: c.351C>A, p.Tyr117Ter (NM_001281455.2, NM_001281456.2, NM_153321.3 and 1 more transcripts); short protein forms Y117*.
Identifiers: ClinVar variation 846662 (VCV000846662.5), dbSNP rs1906290133, ClinGen allele CA398739762.